The following is an entry in ClinVar:

ClinVar aggregate classification (germline): Uncertain significance. Review status: criteria provided, multiple submitters, no conflicts (2 of 4 stars). 2 submissions from 2 submitters: Uncertain significance (2). Last evaluated 2026-10-01.

Conditions:
Early-infantile DEE. Also called: Ohtahara syndrome; Early infantile epileptic encephalopathy; Early infantile epileptic encephalopathy with suppression bursts. Identifiers: Orphanet 1934, MedGen C0393706, MONDO:0800491.

Submissions (2):

GeneDx
Classification: Uncertain significance. Last evaluated: 2026-10-01. Review status: criteria provided, single submitter. Criteria: GeneDx Variant Classification Process June 2021. Collection method: clinical testing. Allele origin: germline.
Comment: Not observed at significant frequency in large population cohorts (gnomAD); In silico analysis supports that this missense variant has a deleterious effect on protein structure/function; Has not been previously published as pathogenic or benign to our knowledge; This substitution is predicted to be within the cytoplasmic loop between the first and second homologous domains

Labcorp Genetics (formerly Invitae), Labcorp
Classification: Uncertain significance for Early-infantile DEE. Last evaluated: 2025-09-15. Review status: criteria provided, single submitter. Criteria: Invitae Variant Classification Sherloc (09022015). Collection method: clinical testing. Allele origin: germline.
Comment: This sequence change replaces alanine, which is neutral and non-polar, with valine, which is neutral and non-polar, at codon 425 of the SCN1A protein (p.Ala425Val). This variant is not present in population databases (gnomAD no frequency). This variant has not been reported in the literature in individuals affected with SCN1A-related conditions. ClinVar contains an entry for this variant (Variation ID: 1008619). Invitae Evidence Modeling of protein sequence and biophysical properties (such as structural, functional, and spatial information, amino acid conservation, physicochemical variation, residue mobility, and thermodynamic stability) indicates that this missense variant is expected to disrupt SCN1A protein function with a positive predictive value of 95%. In summary, the available evidence is currently insufficient to determine the role of this variant in disease. Therefore, it has been classified as a Variant of Uncertain Significance.

NM_001165963.4(SCN1A):c.1274C>T (p.Ala425Val)

Gene: SCN1A (sodium voltage-gated channel alpha subunit 1; minus strand). Cytogenetic location: 2q24.3.
Variant type: single nucleotide variant.
Coding change: c.1274C>T on transcript NM_001165963.4 (MANE Select); coding-DNA position 1274, C replaced by T.
Protein change: p.Ala425Val; replaces alanine 425 with valine.
Molecular consequence: missense variant. On other transcripts: 5 prime UTR variant (1), non-coding transcript variant (1).
Genome position (GRCh38, 1-based): chr2:166,046,873, G>A on the plus strand (C>T on the coding strand, the complement: SCN1A is on the minus strand). VCF-style: chr2-166046873-G-A. GRCh37 (hg19) VCF-style: chr2-166903383-G-A.
Other names: c.1274C>T (NM_001165963.1); c.1274C>T, p.Ala425Val (NM_001353951.2, NM_001353952.2, NM_001353954.2 and 10 more transcripts); c.-1152C>T (NM_001353961.2); short protein forms A425V.
Identifiers: ClinVar variation 1008619 (VCV001008619.11), dbSNP rs1697897304, ClinGen allele CA349070814.